The following is an entry in ClinVar:

NM_201384.3(PLEC):c.2917G>T (p.Glu973Ter)

Gene: PLEC (plectin; minus strand). Cytogenetic location: 8q24.3.
Variant type: single nucleotide variant.
Coding change: c.2917G>T on transcript NM_201384.3 (MANE Select); coding-DNA position 2917, G replaced by T.
Protein change: p.Glu973Ter; replaces glutamic acid 973 with a stop codon.
Molecular consequence: nonsense.
Genome position (GRCh38, 1-based): chr8:143,929,652, C>A on the plus strand (G>T on the coding strand, the complement: PLEC is on the minus strand). VCF-style: chr8-143929652-C-A. GRCh37 (hg19) VCF-style: chr8-145003820-C-A.
Other names: c.2998G>T, p.Glu1000Ter (NM_000445.5, NM_001410941.1); c.2875G>T, p.Glu959Ter (NM_201378.4); c.2851G>T, p.Glu951Ter (NM_201379.3); c.3328G>T, p.Glu1110Ter (NM_201380.4); c.2821G>T, p.Glu941Ter (NM_201381.3); c.2917G>T, p.Glu973Ter (NM_201382.4); c.2929G>T, p.Glu977Ter (NM_201383.3); short protein forms E941*, E1000*, E1110*, E959*, E951*, E973*, E977*.
Identifiers: ClinVar variation 2941007 (VCV002941007.3), dbSNP rs2538506282, ClinGen allele CA372570606.
Genomic context (GRCh38, chr8:143,929,652, plus strand): 5'-ACTCCACCGCCCACCTCGCACCAGCCCAACCGCCCCAGCCCTGCCGTGCCCTACCCTGTT[C>A]CAGGCTCTGCAGCAGCTGCTGGTAGTGGTGGCTGCAGGAGCCGTACTCGCGCTCAGCCAT-3'

ClinVar aggregate classification (germline): Pathogenic (1 of 4 stars; one submission).

Conditions:
Epidermolysis bullosa simplex with nail dystrophy (EBS5D). Identifiers: MedGen C4225309, MONDO:0014661, OMIM 616487.
Epidermolysis bullosa simplex, Ogna type (EBS5A). Also called: Pidermolysis bullosa simplex 5A, Ogna type; EPIDERMOLYSIS BULLOSA SIMPLEX 5A, OGNA TYPE. Identifiers: Orphanet 79401, MedGen C0432317, MONDO:0007555, OMIM 131950.
Autosomal recessive limb-girdle muscular dystrophy type 2Q (LGMDR17). Also called: MUSCULAR DYSTROPHY, LIMB-GIRDLE, AUTOSOMAL RECESSIVE 17. Identifiers: Orphanet 254361, MedGen C3150989, MONDO:0013390, OMIM 613723.
Epidermolysis bullosa simplex 5B, with muscular dystrophy (EBS5B). Also called: EPIDERMOLYSIS BULLOSA SIMPLEX AND LIMB-GIRDLE MUSCULAR DYSTROPHY; Epidermolysis bullosa simplex with muscular dystrophy. Identifiers: Orphanet 257, MedGen C2931072, MONDO:0009181, OMIM 226670.
Epidermolysis bullosa simplex 5C, with pyloric atresia (EBS5C). Also called: PLEC-Related Epidermolysis Bullosa with Pyloric Atresia; Epidermolysis bullosa simplex with pyloric atresia; PLEC1-Related Epidermolysis Bullosa with Pyloric Atresia. Identifiers: Orphanet 158684, MedGen C2677349, MONDO:0012807, OMIM 612138.

Submission:

Labcorp Genetics (formerly Invitae), Labcorp
Classification: Pathogenic for Autosomal recessive limb-girdle muscular dystrophy type 2Q; Epidermolysis bullosa simplex, Ogna type; Epidermolysis bullosa simplex with nail dystrophy; Epidermolysis bullosa simplex 5C, with pyloric atresia; Epidermolysis bullosa simplex 5B, with muscular dystrophy. Last evaluated: 2023-03-07. Review status: criteria provided, single submitter. Criteria: Invitae Variant Classification Sherloc (09022015). Collection method: clinical testing. Allele origin: germline.
Comment: This sequence change creates a premature translational stop signal (p.Glu1000*) in the PLEC gene. It is expected to result in an absent or disrupted protein product. Loss-of-function variants in PLEC are known to be pathogenic (PMID: 20301336, 20447487, 21109228, 23289980, 28824526). For these reasons, this variant has been classified as Pathogenic. This variant has not been reported in the literature in individuals affected with PLEC-related conditions. This variant is not present in population databases (gnomAD no frequency).

Literature cited by the submitters: PubMed 20301336; PubMed 20447487; PubMed 21109228; PubMed 23289980; PubMed 28824526.